The following is an entry in ClinVar:

ClinVar aggregate classification (germline): Likely pathogenic (1 of 4 stars; one submission).

Conditions:
Autosomal dominant nonsyndromic hearing loss 22. Also called: Autosomal dominant nonsyndromic deafness 22; DFNA 22. Identifiers: Orphanet 228012, MedGen C2931767, MONDO:0011660, OMIM 606346.

gnomAD v4.1: 1 of 1,612,552 alleles (0.000062%); no homozygotes.

Submission:

MVZ Medizinische Genetik Mainz
Classification: Likely pathogenic for Autosomal dominant nonsyndromic hearing loss 22. Last evaluated: 2025-11-18. Review status: criteria provided, single submitter. Criteria: UK Practice Guidelines For Variant Classification V4 01 2020. Collection method: clinical testing. Allele origin: germline. Inheritance: Autosomal dominant inheritance. Affected: yes. Observed: 1 variant allele.
Comment: ACMG Criteria: PVS1,PM2_SUP

NM_004999.4(MYO6):c.2480G>A (p.Trp827Ter)

Gene: MYO6 (myosin VI; plus strand). Cytogenetic location: 6q14.1.
Variant type: single nucleotide variant.
Coding change: c.2480G>A on transcript NM_004999.4 (MANE Select); coding-DNA position 2480, G replaced by A.
Protein change: p.Trp827Ter; replaces tryptophan 827 with a stop codon.
Molecular consequence: nonsense. On other transcripts: non-coding transcript variant (1).
Genome position (GRCh38, 1-based): chr6:75,886,067, G>A. VCF-style: chr6-75886067-G-A. GRCh37 (hg19) VCF-style: chr6-76595784-G-A.
Other names: c.2480G>A, p.Trp827Ter (NM_001300899.2, NM_001368136.1, NM_001368137.1 and 2 more transcripts); c.2465G>A, p.Trp822Ter (NM_001368138.1); short protein forms W822*, W827*.
Identifiers: ClinVar variation 4540417 (VCV004540417.1).
Genomic context (GRCh38, chr6:75,886,067, plus strand): 5'-AAAACAAAATAAAATATCGAGCTGAAGCCTGCATTAAAATGCAAAAAACTATTCGAATGT[G>A]GCTTTGCAAGAGGAGACACAAACCTCGGTAAGATGAATAGTTCCTAAAAAGAACTCTACA-3'